The following is an entry in ClinVar:

NM_001330700.2(TOP2B):c.4710+4dup

Gene: TOP2B (DNA topoisomerase II beta; minus strand). Cytogenetic location: 3p24.2.
Variant type: Duplication.
Coding change: c.4710+4dup on transcript NM_001330700.2 (MANE Select); 4 bases into the intron after coding-DNA position 4710, one base duplicated (A; older notation c.4710+4dupA).
Molecular consequence: intron variant.
Genome position (GRCh38, 1-based): chr3:25,599,431, T duplicated on the plus strand (A on the coding strand, the reverse complement: TOP2B is on the minus strand); the first of 2 consecutive T bases (chr3:25,599,431-25,599,432); duplicating either gives the same sequence. VCF-style (leftmost placement, unchanged base first): chr3-25599430-G-GT. GRCh37 (hg19) VCF-style: chr3-25640921-G-GT.
Other names: c.4695+4dup (NM_001068.3).
Identifiers: ClinVar variation 2007852 (VCV002007852.4), dbSNP rs761017548, ClinGen allele CA2288016.

ClinVar aggregate classification (germline): Uncertain significance (1 of 4 stars; one submission).

Submission:

Labcorp Genetics (formerly Invitae), Labcorp
Classification: Uncertain significance. Last evaluated: 2024-02-24. Review status: criteria provided, single submitter. Criteria: Invitae Variant Classification Sherloc (09022015). Collection method: clinical testing. Allele origin: germline.
Comment: This sequence change falls in intron 35 of the TOP2B gene. It does not directly change the encoded amino acid sequence of the TOP2B protein. It affects a nucleotide within the consensus splice site. This variant is present in population databases (rs761017548, gnomAD 0.006%). This variant has not been reported in the literature in individuals affected with TOP2B-related conditions. ClinVar contains an entry for this variant (Variation ID: 2007852). Variants that disrupt the consensus splice site are a relatively common cause of aberrant splicing (PMID: 17576681, 9536098). Algorithms developed to predict the effect of sequence changes on RNA splicing suggest that this variant is not likely to affect RNA splicing. In summary, the available evidence is currently insufficient to determine the role of this variant in disease. Therefore, it has been classified as a Variant of Uncertain Significance.

Literature cited by the submitters: PubMed 17576681; PubMed 9536098.